The following is an entry in ClinVar:

ClinVar aggregate classification (germline): Conflicting classifications of pathogenicity. Review status: criteria provided, conflicting classifications (1 of 4 stars). 4 submissions from 4 submitters: Pathogenic (3); Uncertain significance (1). Last evaluated 2026-05-05.

Conditions:
Primary ciliary dyskinesia 18. Also called: CILIARY DYSKINESIA, PRIMARY, 18, WITH OR WITHOUT SITUS INVERSUS. Identifiers: Orphanet 244, MedGen C3543825, MONDO:0013940, OMIM 614874.
Primary ciliary dyskinesia. Also called: Ciliary dyskinesia. Identifiers: Orphanet 244, MedGen C0008780, MONDO:0016575, HP:0012265.

Allele frequency attached by ClinVar (database versions not stated): gnomAD 0.00002; TOPMed 0.00002.
gnomAD v4.1: 46 of 1,614,076 alleles (0.0028%); highest among the groups gnomAD compares: Non-Finnish European, 0.0033%; no homozygotes.

Submissions (4):

Victorian Clinical Genetics Services, Murdoch Childrens Research Institute
Classification: Pathogenic for Primary ciliary dyskinesia 18. Last evaluated: 2026-05-05. Review status: criteria provided, single submitter. Criteria: ACMG Guidelines, 2015. Collection method: clinical testing. Allele origin: germline. Affected: yes.
Comment: This variant is classified as Pathogenic. Evidence in support of pathogenic classification: Variant is predicted to cause nonsense-mediated decay (NMD) and loss of protein (premature termination codon is located at least 54 nucleotides upstream of the final exon-exon junction); Variant is present in gnomAD <0.01 for a recessive condition (v4: 46 heterozygote(s), 0 homozygote(s)); This variant has limited previous evidence of pathogenicity in unrelated individual(s). This variant has been classified as pathogenic by multiple clinical laboratories in ClinVar; Other NMD-predicted variant(s) comparable to the one identified in this case have very strong previous evidence for pathogenicity (DECIPHER). Additional information: This variant is heterozygous; This gene is associated with autosomal recessive disease; Loss of function is a known mechanism of disease in this gene and is associated with ciliary dyskinesia, primary, 18 (MIM#614874); Inheritance information for this variant is not currently available in this individual.

Labcorp Genetics (formerly Invitae), Labcorp
Classification: Pathogenic for Primary ciliary dyskinesia. Last evaluated: 2026-01-12. Review status: criteria provided, single submitter. Criteria: Invitae Variant Classification Sherloc (09022015). Collection method: clinical testing. Allele origin: germline.
Comment: This sequence change creates a premature translational stop signal (p.Arg792*) in the DNAAF5 gene. It is expected to result in an absent or disrupted protein product. Loss-of-function variants in DNAAF5 are known to be pathogenic (PMID: 24307375, 25232951). This variant is present in population databases (no rsID available, gnomAD 0.0009%). This variant has not been reported in the literature in individuals affected with DNAAF5-related conditions. ClinVar contains an entry for this variant (Variation ID: 1454678). For these reasons, this variant has been classified as Pathogenic.

Blueprint Genetics
Classification: Uncertain significance. Last evaluated: 2023-01-16. Review status: criteria provided, single submitter. Criteria: ACMG Guidelines, 2015. Collection method: clinical testing. Allele origin: germline.

Ambry Genetics
Classification: Pathogenic for Primary ciliary dyskinesia. Last evaluated: 2022-08-04. Review status: criteria provided, single submitter. Criteria: Ambry Variant Classification Scheme 2023. Collection method: clinical testing. Allele origin: germline.
Comment: The p.R792* pathogenic mutation (also known as c.2374C>T), located in coding exon 12 of the DNAAF5 gene, results from a C to T substitution at nucleotide position 2374. This changes the amino acid from an arginine to a stop codon within coding exon 12. This variant is considered to be rare based on population cohorts in the Genome Aggregation Database (gnomAD). This alteration is expected to result in loss of function by premature protein truncation or nonsense-mediated mRNA decay. As such, this alteration is interpreted as a disease-causing mutation.

Literature cited by the submitters: PubMed 24307375 (cited by Labcorp Genetics (formerly Invitae), Labcorp); PubMed 25232951 (cited by Labcorp Genetics (formerly Invitae), Labcorp).

NM_017802.4(DNAAF5):c.2374C>T (p.Arg792Ter)

Gene: DNAAF5 (dynein axonemal assembly factor 5; plus strand). Cytogenetic location: 7p22.3.
Variant type: single nucleotide variant.
Coding change: c.2374C>T on transcript NM_017802.4 (MANE Select); coding-DNA position 2374, C replaced by T.
Protein change: p.Arg792Ter; replaces arginine 792 with a stop codon.
Molecular consequence: nonsense. On other transcripts: non-coding transcript variant (1).
Genome position (GRCh38, 1-based): chr7:780,087, C>T. VCF-style: chr7-780087-C-T. GRCh37 (hg19) VCF-style: chr7-819724-C-T.
Other names: short protein forms R792*.
Identifiers: ClinVar variation 1454678 (VCV001454678.10), dbSNP rs1216182303, ClinGen allele CA366547990.